The following is an entry in ClinVar:

ClinVar aggregate classification (germline): Uncertain significance (1 of 4 stars; one submission).

Conditions:
Congenital myasthenic syndrome 9. Also called: Myasthenic syndrome, congenital, 9, associated with acetylcholine receptor deficiency. Identifiers: Orphanet 590, MedGen C4225368, MONDO:0014587, OMIM 616325.
Fetal akinesia deformation sequence 1 (FADS1). Also called: Fetal akinesia sequence; Pena-Shokeir syndrome type I. Identifiers: Orphanet 994, MedGen C1276035, MONDO:0100101, OMIM 208150, HP:0001989.

Allele frequency attached by ClinVar (database versions not stated): gnomAD exomes 0.00001; ExAC 0.00002; ESP Exome Variant Server 0.00008.

Submission:

Labcorp Genetics (formerly Invitae), Labcorp
Classification: Uncertain significance for Congenital myasthenic syndrome 9; Fetal akinesia deformation sequence 1. Last evaluated: 2021-11-30. Review status: criteria provided, single submitter. Criteria: Invitae Variant Classification Sherloc (09022015). Collection method: clinical testing. Allele origin: germline.
Comment: This sequence change replaces alanine, which is neutral and non-polar, with threonine, which is neutral and polar, at codon 235 of the MUSK protein (p.Ala235Thr). This variant is present in population databases (rs371315297, gnomAD 0.004%). This variant has not been reported in the literature in individuals affected with MUSK-related conditions. Algorithms developed to predict the effect of missense changes on protein structure and function (SIFT, PolyPhen-2, Align-GVGD) all suggest that this variant is likely to be disruptive. In summary, the available evidence is currently insufficient to determine the role of this variant in disease. Therefore, it has been classified as a Variant of Uncertain Significance.

NM_005592.4(MUSK):c.703G>A (p.Ala235Thr)

Gene: MUSK (muscle associated receptor tyrosine kinase; plus strand). Cytogenetic location: 9q31.3.
Variant type: single nucleotide variant.
Coding change: c.703G>A on transcript NM_005592.4 (MANE Select); coding-DNA position 703, G replaced by A.
Protein change: p.Ala235Thr; replaces alanine 235 with threonine.
Molecular consequence: missense variant. On other transcripts: 5 prime UTR variant (1).
Genome position (GRCh38, 1-based): chr9:110,734,325, G>A. VCF-style: chr9-110734325-G-A. GRCh37 (hg19) VCF-style: chr9-113496605-G-A.
Other names: c.733G>A, p.Ala245Thr (NM_001166280.2); c.703G>A, p.Ala235Thr (NM_001166281.2); c.-534G>A (NM_001369398.1); short protein forms A245T, A235T.
Identifiers: ClinVar variation 2064779 (VCV002064779.1), dbSNP rs371315297, ClinGen allele CA5184156.